The following is an entry in ClinVar:

ClinVar aggregate classification (germline): Uncertain significance. Review status: criteria provided, multiple submitters, no conflicts (2 of 4 stars). 2 submissions from 2 submitters: Uncertain significance (2). Last evaluated 2025-11-18.

gnomAD v4.1: 14 of 1,612,684 alleles (0.00087%); highest among the groups gnomAD compares: African/African-American, 0.0067%; no homozygotes.

Submissions (2):

Labcorp Genetics (formerly Invitae), Labcorp
Classification: Uncertain significance. Last evaluated: 2025-11-18. Review status: criteria provided, single submitter. Criteria: Invitae Variant Classification Sherloc (09022015). Collection method: clinical testing. Allele origin: germline.
Comment: This sequence change replaces glutamic acid, which is acidic and polar, with lysine, which is basic and polar, at codon 160 of the WNT3A protein (p.Glu160Lys). This variant is present in population databases (rs375627842, gnomAD 0.01%). This variant has not been reported in the literature in individuals affected with WNT3A-related conditions. ClinVar contains an entry for this variant (Variation ID: 3817347). Invitae Evidence Modeling of protein sequence and biophysical properties (such as structural, functional, and spatial information, amino acid conservation, physicochemical variation, residue mobility, and thermodynamic stability) indicates that this missense variant is not expected to disrupt WNT3A protein function with a negative predictive value of 80%. In summary, the available evidence is currently insufficient to determine the role of this variant in disease. Therefore, it has been classified as a Variant of Uncertain Significance.

Ambry Genetics
Classification: Uncertain significance. Last evaluated: 2025-02-07. Review status: criteria provided, single submitter. Criteria: Ambry Variant Classification Scheme 2023. Collection method: clinical testing. Allele origin: germline.

NM_033131.4(WNT3A):c.478G>A (p.Glu160Lys)

Gene: WNT3A (Wnt family member 3A; plus strand). Cytogenetic location: 1q42.13.
Variant type: single nucleotide variant.
Coding change: c.478G>A on transcript NM_033131.4 (MANE Select); coding-DNA position 478, G replaced by A.
Protein change: p.Glu160Lys; replaces glutamic acid 160 with lysine.
Molecular consequence: missense variant.
Genome position (GRCh38, 1-based): chr1:228,050,820, G>A. VCF-style: chr1-228050820-G-A. GRCh37 (hg19) VCF-style: chr1-228238521-G-A.
Other names: short protein forms E160K.
Identifiers: ClinVar variation 3817347 (VCV003817347.2).
Genomic context (GRCh38, chr1:228,050,820, plus strand): 5'-AGCCGCCACCAGGGCTCACCAGGCAAGGGCTGGAAGTGGGGTGGCTGTAGCGAGGACATC[G>A]AGTTTGGTGGGATGGTGTCTCGGGAGTTCGCCGACGCCCGGGAGAACCGGCCAGATGCCC-3'
Protein context (NP_149122.1, residues 150-170): WKWGGCSEDI[Glu160Lys]FGGMVSREFA